The following is an entry in ClinVar:

ClinVar aggregate classification (germline): Uncertain significance (1 of 4 stars; one submission).

Allele frequency attached by ClinVar (database versions not stated): ExAC 0.00001; gnomAD exomes 0.00001; gnomAD 0.00003; TOPMed 0.00005.
gnomAD v4.1: 17 of 1,612,756 alleles (0.0011%); highest among the groups gnomAD compares: African/African-American, 0.0093%; no homozygotes.

Submission:

Labcorp Genetics (formerly Invitae), Labcorp
Classification: Uncertain significance. Last evaluated: 2024-04-25. Review status: criteria provided, single submitter. Criteria: Invitae Variant Classification Sherloc (09022015). Collection method: clinical testing. Allele origin: germline.
Comment: This sequence change replaces alanine, which is neutral and non-polar, with valine, which is neutral and non-polar, at codon 182 of the ACO2 protein (p.Ala182Val). This variant is present in population databases (rs772744686, gnomAD 0.01%). This variant has not been reported in the literature in individuals affected with ACO2-related conditions. ClinVar contains an entry for this variant (Variation ID: 1916584). Advanced modeling of protein sequence and biophysical properties (such as structural, functional, and spatial information, amino acid conservation, physicochemical variation, residue mobility, and thermodynamic stability) performed at Invitae indicates that this missense variant is not expected to disrupt ACO2 protein function with a negative predictive value of 80%. In summary, the available evidence is currently insufficient to determine the role of this variant in disease. Therefore, it has been classified as a Variant of Uncertain Significance.

NM_001098.3(ACO2):c.545C>T (p.Ala182Val)

Gene: ACO2 (aconitase 2; plus strand). Cytogenetic location: 22q13.2.
Variant type: single nucleotide variant.
Coding change: c.545C>T on transcript NM_001098.3 (MANE Select); coding-DNA position 545, C replaced by T.
Protein change: p.Ala182Val; replaces alanine 182 with valine.
Molecular consequence: missense variant.
Genome position (GRCh38, 1-based): chr22:41,515,396, C>T. VCF-style: chr22-41515396-C-T. GRCh37 (hg19) VCF-style: chr22-41911400-C-T.
Other names: short protein forms A182V.
Identifiers: ClinVar variation 1916584 (VCV001916584.5), dbSNP rs772744686, ClinGen allele CA10257394.
Genomic context (GRCh38, chr22:41,515,396, plus strand): 5'-GCTGAGGGCTTCTAAATATAACATCTTGGATTATTTTTCAGATTATTCTGGAAAACTATG[C>T]GTACCCTGGTGTTCTTCTGATTGGCACTGACTCCCACACCCCCAATGGTGGCGGCCTTGG-3'
Protein context (NP_001089.1, residues 172-192): IIHQIILENY[Ala182Val]YPGVLLIGTD